The following is an entry in ClinVar:

ClinVar aggregate classification (germline): Uncertain significance. Review status: criteria provided, multiple submitters, no conflicts (2 of 4 stars). 3 submissions from 3 submitters: Uncertain significance (3). Last evaluated 2024-10-19.

Conditions:
Deafness, autosomal dominant 39, with dentinogenesis imperfecta 1. Also called: DFNA39/DENTINOGENESIS IMPERFECTA 1 SYNDROME; DFNA39/DGI1 SYNDROME; DGI1/DFNA39 SYNDROME. Identifiers: Orphanet 166260, MedGen C1854146, MONDO:0011571, OMIM 605594.
Dentinogenesis imperfecta type 2 (DGI1). Also called: CAPDEPONT TEETH; Dentinogenesis imperfecta without osteogenesis imperfecta; OPALESCENT DENTIN; OPALESCENT TEETH WITHOUT OSTEOGENESIS IMPERFECTA; Dentinogenesis imperfecta - Shield's type II; Hereditary Opalescent Dentin. Identifiers: Orphanet 166260, MedGen C2973527, MONDO:0007441, OMIM 125490. Disease mechanism: loss of function.
Pulp calcification. Also called: Pulp stones; Dental Pulp Stone. Identifiers: Orphanet 1653, MedGen C1527284, HP:0003771. Disease mechanism: loss of function.
Dentinogenesis imperfecta type 3 (DGI-III). Also called: BRANDYWINE TYPE DENTINOGENESIS IMPERFECTA; Dentinogenesis imperfecta - Shield's type III. Identifiers: Orphanet 166265, MedGen C0399378, MONDO:0007442, OMIM 125500. Disease mechanism: loss of function.

Allele frequency attached by ClinVar (database versions not stated): gnomAD exomes 0.00002 and 0.00004; ExAC 0.00003; TOPMed 0.00003.
gnomAD v4.1: 35 of 1,614,154 alleles (0.0022%); highest among the groups gnomAD compares: South Asian, 0.0066%; no homozygotes.

Submissions (3):

Labcorp Genetics (formerly Invitae), Labcorp
Classification: Uncertain significance. Last evaluated: 2024-10-19. Review status: criteria provided, single submitter. Criteria: Invitae Variant Classification Sherloc (09022015). Collection method: clinical testing. Allele origin: germline.
Comment: This sequence change replaces glutamic acid, which is acidic and polar, with aspartic acid, which is acidic and polar, at codon 327 of the DSPP protein (p.Glu327Asp). This variant is present in population databases (rs778282028, gnomAD 0.006%). This variant has not been reported in the literature in individuals affected with DSPP-related conditions. ClinVar contains an entry for this variant (Variation ID: 1691573). An algorithm developed to predict the effect of missense changes on protein structure and function outputs the following: PolyPhen-2: "Possibly Damaging". The aspartic acid amino acid residue is found in multiple mammalian species, which suggests that this missense change does not adversely affect protein function. In summary, the available evidence is currently insufficient to determine the role of this variant in disease. Therefore, it has been classified as a Variant of Uncertain Significance.

Fulgent Genetics
Classification: Uncertain significance for Dentin dysplasia type II; Dentinogenesis imperfecta type 2; Dentinogenesis imperfecta type 3; Deafness, autosomal dominant 39, with dentinogenesis imperfecta 1. Last evaluated: 2022-01-07. Review status: criteria provided, single submitter. Criteria: ACMG Guidelines, 2015. Collection method: clinical testing. Allele origin: unknown.

GeneDx
Classification: Uncertain significance. Last evaluated: 2021-12-08. Review status: criteria provided, single submitter. Criteria: GeneDx Variant Classification Process June 2021. Collection method: clinical testing. Allele origin: germline. Affected: yes.
Comment: In silico analysis supports that this missense variant does not alter protein structure/function; Has not been previously published as pathogenic or benign to our knowledge

NM_014208.3(DSPP):c.981G>T (p.Glu327Asp)

Genes: DSPP (dentin sialophosphoprotein; plus strand), DMP1-AS1 (DMP1 and DSPP antisense RNA 1; minus strand). Cytogenetic location: 4q22.1.
Variant type: single nucleotide variant.
Coding change: c.981G>T on transcript NM_014208.3 (MANE Select); coding-DNA position 981, G replaced by T.
Protein change: p.Glu327Asp; replaces glutamic acid 327 with aspartic acid.
Molecular consequence: missense variant.
Genome position (GRCh38, 1-based): chr4:87,613,167, G>T. VCF-style: chr4-87613167-G-T. GRCh37 (hg19) VCF-style: chr4-88534319-G-T.
Other names: short protein forms E327D.
Identifiers: ClinVar variation 1691573 (VCV001691573.9), dbSNP rs778282028, ClinGen allele CA3000990.